The following is an entry in ClinVar:

ClinVar aggregate classification (germline): Likely benign. Review status: criteria provided, multiple submitters, no conflicts (2 of 4 stars). 4 submissions from 4 submitters: Likely benign (4). Last evaluated 2026-05-27.

Conditions:
Inborn genetic diseases. Identifiers: MedGen C0950123, MeSH D030342.

Allele frequency attached by ClinVar (database versions not stated): ExAC 0.00001; gnomAD 0.00001; gnomAD exomes 0.00001; TOPMed 0.00001.
gnomAD v4.1: 16 of 1,614,092 alleles (0.00099%); highest among the groups gnomAD compares: Middle Eastern, 0.016%; no homozygotes.

Submissions (4):

Ambry Genetics
Classification: Likely benign for Inborn genetic diseases. Last evaluated: 2026-05-27. Review status: criteria provided, single submitter. Criteria: Ambry Variant Classification Scheme 2023. Collection method: clinical testing. Allele origin: germline.

Labcorp Genetics (formerly Invitae), Labcorp
Classification: Likely benign. Last evaluated: 2025-09-04. Review status: criteria provided, single submitter. Criteria: Invitae Variant Classification Sherloc (09022015). Collection method: clinical testing. Allele origin: germline.

Blueprint Genetics
Classification: Likely benign. Last evaluated: 2024-05-07. Review status: criteria provided, single submitter. Criteria: ACMG Guidelines, 2015. Collection method: clinical testing. Allele origin: germline.

CeGaT Center for Human Genetics Tuebingen
Classification: Likely benign. Last evaluated: 2023-06-01. Review status: criteria provided, single submitter. Criteria: CeGaT Center For Human Genetics Tuebingen Variant Classification Criteria Version 2. Collection method: clinical testing. Allele origin: germline. Affected: yes. Observed: 1 variant allele.
Comment: NSD1: BP4, BP7

NM_022455.5(NSD1):c.2091A>G (p.Lys697=)

Gene: NSD1 (nuclear receptor binding SET domain protein 1; plus strand). Cytogenetic location: 5q35.3.
Variant type: single nucleotide variant.
Coding change: c.2091A>G on transcript NM_022455.5 (MANE Select); coding-DNA position 2091, A replaced by G.
Protein change: p.Lys697=; no amino-acid change (lysine 697 retained).
Molecular consequence: synonymous variant.
Genome position (GRCh38, 1-based): chr5:177,210,490, A>G. VCF-style: chr5-177210490-A-G. GRCh37 (hg19) VCF-style: chr5-176637491-A-G.
Other names: c.1218A>G, p.Lys406= (NM_001365684.2, NM_001409306.1, NM_001409307.1 and 3 more transcripts); c.2091A>G, p.Lys697= (NM_001409301.1, NM_001409302.1, NM_001409303.1); c.1671A>G, p.Lys557= (NM_001409304.1); c.1338A>G, p.Lys446= (NM_001409305.1).
Identifiers: ClinVar variation 2074529 (VCV002074529.29), dbSNP rs766962429, ClinGen allele CA3577195.